The following is an entry in ClinVar:

ClinVar aggregate classification (germline): Uncertain significance (1 of 4 stars; one submission).

Conditions:
Inborn genetic diseases. Identifiers: MedGen C0950123, MeSH D030342.

Allele frequency attached by ClinVar (database versions not stated): gnomAD exomes below 0.00001.
gnomAD v4.1: 3 of 1,610,252 alleles (0.00019%); highest among the groups gnomAD compares: Non-Finnish European, 0.00025%; no homozygotes.

Submission:

Ambry Genetics
Classification: Uncertain significance for Inborn genetic diseases. Last evaluated: 2019-12-26. Review status: criteria provided, single submitter. Criteria: Ambry Variant Classification Scheme 2023. Collection method: clinical testing. Allele origin: germline.
Comment: The p.P2322Q variant (also known as c.6965C>A), located in coding exon 46 of the DST gene, results from a C to A substitution at nucleotide position 6965. The proline at codon 2322 is replaced by glutamine, an amino acid with similar properties. This amino acid position is highly conserved in available vertebrate species. In addition, this alteration is predicted to be tolerated by in silico analysis. Since supporting evidence is limited at this time, the clinical significance of this alteration remains unclear.

NM_001374736.1(DST):c.13322C>A (p.Pro4441Gln)

Gene: DST (dystonin; minus strand). Cytogenetic location: 6p12.1.
Variant type: single nucleotide variant.
Coding change: c.13322C>A on transcript NM_001374736.1 (MANE Select); coding-DNA position 13322, C replaced by A.
Protein change: p.Pro4441Gln; replaces proline 4441 with glutamine.
Molecular consequence: missense variant.
Genome position (GRCh38, 1-based): chr6:56,572,979, G>T on the plus strand (C>A on the coding strand, the complement: DST is on the minus strand). VCF-style: chr6-56572979-G-T. GRCh37 (hg19) VCF-style: chr6-56437777-G-T.
Other names: c.6965C>A, p.Pro2322Gln (NM_001144769.5); c.6551C>A, p.Pro2184Gln (NM_001144770.2); c.13322C>A, p.Pro4441Gln (NM_001374722.1); c.12689C>A, p.Pro4230Gln (NM_001374729.1); c.6431C>A, p.Pro2144Gln (NM_001374730.1, NM_001386100.1, NM_183380.4); c.13349C>A, p.Pro4450Gln (NM_001374734.1); c.5453C>A, p.Pro1818Gln (NM_015548.5); short protein forms P1818Q, P2144Q, P2322Q, P4441Q, P2184Q, P4230Q, P4450Q.
Identifiers: ClinVar variation 1756343 (VCV001756343.2), dbSNP rs2535758724, ClinGen allele CA364527572.